The following is an entry in ClinVar:

NM_004656.4(BAP1):c.222T>C (p.Asp74=)

Gene: BAP1 (BRCA1 associated deubiquitinase 1; minus strand). Cytogenetic location: 3p21.1.
Variant type: single nucleotide variant.
Coding change: c.222T>C on transcript NM_004656.4 (MANE Select); coding-DNA position 222, T replaced by C.
Protein change: p.Asp74=; no amino-acid change (aspartic acid 74 retained).
Molecular consequence: synonymous variant.
Genome position (GRCh38, 1-based): chr3:52,408,507, A>G on the plus strand (T>C on the coding strand, the complement: BAP1 is on the minus strand). VCF-style: chr3-52408507-A-G. GRCh37 (hg19) VCF-style: chr3-52442523-A-G.
Other names: c.222T>C, p.Asp74= (NM_001410772.1); c.222T>C (NM_004656.3).
Identifiers: ClinVar variation 3379172 (VCV003379172.2).

ClinVar aggregate classification (germline): Conflicting classifications of pathogenicity. Review status: criteria provided, conflicting classifications (1 of 4 stars). 2 submissions from 2 submitters: Uncertain significance (1); Benign (1). Last evaluated 2025-08-13.

Conditions:
BAP1-related tumor predisposition syndrome (TPDS1). Also called: Tumor susceptibility linked to germline BAP1 mutations; COMMON Syndrome; TUMOR PREDISPOSITION SYNDROME 1; BAP1 tumor predisposition syndrome. Identifiers: Orphanet 289539, MedGen C3280492, MONDO:0013692, OMIM 614327.

Submissions (2):

Quest Diagnostics Nichols Institute San Juan Capistrano
Classification: Uncertain significance. Last evaluated: 2025-08-13. Review status: criteria provided, single submitter. Criteria: Quest Diagnostics criteria. Collection method: clinical testing. Allele origin: unknown.
Comment: The BAP1 c.222T>C (p.Asp74=) synonymous variant has not been reported in individuals with BAP1-related conditions in the published literature. This variant has not been reported in large, multi-ethnic general populations (Genome Aggregation Database). Analysis of this variant using software algorithms for the prediction of the effect of nucleotide changes on splicing yielded predictions that this variant does not affect BAP1 mRNA splicing. Based on the available information, we are unable to determine the clinical significance of this variant.

Myriad Genetics, Inc.
Classification: Benign for BAP1-related tumor predisposition syndrome. Last evaluated: 2024-07-11. Review status: criteria provided, single submitter. Criteria: Myriad Autosomal Dominant, Autosomal Recessive and X-Linked Classification Criteria (2023). Collection method: clinical testing. Allele origin: unknown.
Comment: This variant is considered benign. This variant is a silent/synonymous amino acid change and it is not expected to impact splicing.